The following is an entry in ClinVar:

NM_002180.3(IGHMBP2):c.1463del (p.Leu488fs)

Gene: IGHMBP2 (immunoglobulin mu DNA binding protein 2; plus strand). Cytogenetic location: 11q13.3.
Variant type: Deletion.
Coding change: c.1463del on transcript NM_002180.3 (MANE Select); coding-DNA position 1463, one base deleted (T; older notation c.1463delT).
Protein change: p.Leu488fs; shifts the reading frame from leucine 488.
Molecular consequence: frameshift variant.
Genome position (GRCh38, 1-based): chr11:68,933,839, T deleted. VCF-style (leftmost placement, unchanged base first): chr11-68933838-CT-C. GRCh37 (hg19) VCF-style: chr11-68701306-CT-C.
Other names: c.1463delT (NM_002180.2); c.1463del (NM_002180.2); short protein forms L488fs.
Identifiers: ClinVar variation 637273 (VCV000637273.2), dbSNP rs1594451999, ClinGen allele CA915948215.

ClinVar aggregate classification (germline): Pathogenic. Review status: criteria provided, single submitter (1 of 4 stars). 2 submissions from 2 submitters: Pathogenic (1). 1 of the submissions does not count toward it. Last evaluated 2024-12-06.

Conditions:
Charcot-Marie-Tooth disease. Also called: Charcot-Marie-Tooth Hereditary Neuropathy; Charcot-Marie-Tooth Neuropathy. Identifiers: Orphanet 166, MedGen C0007959, MONDO:0015626.

Allele frequency attached by ClinVar (database versions not stated): TOPMed below 0.00001.

Submissions (2):

GeneDx
Classification: Pathogenic. Last evaluated: 2024-12-06. Review status: criteria provided, single submitter. Criteria: GeneDx Variant Classification Process June 2021. Collection method: clinical testing. Allele origin: germline. Affected: yes.
Comment: Frameshift variant predicted to result in protein truncation or nonsense mediated decay in a gene for which loss-of-function is a known mechanism of disease; Not observed at significant frequency in large population cohorts (gnomAD); This variant is associated with the following publications: (PMID: 14506069)

Inherited Neuropathy Consortium
Classification: Uncertain significance for Charcot-Marie-Tooth disease. Review status: no assertion criteria provided. Collection method: literature only. Allele origin: germline. Affected: yes. Not counted in ClinVar's aggregate classification.

Literature cited by the submitters: PubMed 14506069 (cited by Inherited Neuropathy Consortium).